The following is an entry in ClinVar:

NM_014587.5(SOX8):c.876C>T (p.Gly292=)

Gene: SOX8 (SRY-box transcription factor 8; plus strand). Cytogenetic location: 16p13.3.
Variant type: single nucleotide variant.
Coding change: c.876C>T on transcript NM_014587.5 (MANE Select); coding-DNA position 876, C replaced by T.
Protein change: p.Gly292=; no amino-acid change (glycine 292 retained).
Molecular consequence: synonymous variant.
Genome position (GRCh38, 1-based): chr16:984,921, C>T. VCF-style: chr16-984921-C-T. GRCh37 (hg19) VCF-style: chr16-1034921-C-T.
Identifiers: ClinVar variation 3047749 (VCV003047749.2), dbSNP rs529012200, ClinGen allele CA7798266.
Genomic context (GRCh38, chr16:984,921, plus strand): 5'-GGTCATGGGCACCATGGACGCCTTCGACGTCCACGAGTTCGACCAGTACCTGCCCCTGGG[C>T]GGCCCCGCCCCACCCGAGCCGGGCCAGGCCTATGGGGGCGCCTACTTCCACGCCGGGGCG-3'
Protein context (NP_055402.2, residues 282-302): VHEFDQYLPL[Gly292=]GPAPPEPGQA

ClinVar aggregate classification (germline): Likely benign (0 of 4 stars; one submission).

Conditions:
SOX8-related disorder. Also called: SOX8-related condition.

Allele frequency attached by ClinVar (database versions not stated): TOPMed 0.00015; 1000 Genomes Project 30x 0.00187; 1000 Genomes Project 0.00260; gnomAD 0.00309.
gnomAD v4.1: 2,399 of 1,603,732 alleles (0.15%); highest among the groups gnomAD compares: Non-Finnish European, 0.024%; 36 homozygotes.

Submission:

PreventionGenetics, part of Exact Sciences
Classification: Likely benign for SOX8-related condition. Last evaluated: 2019-03-08. Review status: no assertion criteria provided. Collection method: clinical testing. Allele origin: germline.
Comment: This variant is classified as likely benign based on ACMG/AMP sequence variant interpretation guidelines (Richards et al. 2015 PMID: 25741868, with internal and published modifications).